The following is an entry in ClinVar:

NM_182643.3(DLC1):c.3445A>G (p.Met1149Val)

Gene: DLC1 (DLC1 Rho GTPase activating protein; minus strand). Cytogenetic location: 8p22.
Variant type: single nucleotide variant.
Coding change: c.3445A>G on transcript NM_182643.3 (MANE Select); coding-DNA position 3445, A replaced by G.
Protein change: p.Met1149Val; replaces methionine 1149 with valine.
Molecular consequence: missense variant.
Genome position (GRCh38, 1-based): chr8:13,094,840, T>C on the plus strand (A>G on the coding strand, the complement: DLC1 is on the minus strand). VCF-style: chr8-13094840-T-C. GRCh37 (hg19) VCF-style: chr8-12952349-T-C.
Other names: c.3445A>G (NM_182643.2); c.1912A>G, p.Met638Val (NM_001164271.2, NM_001348082.2, NM_001348083.1 and 6 more transcripts); c.2236A>G, p.Met746Val (NM_001316668.2, NM_001413129.1); c.3445A>G, p.Met1149Val (NM_001348081.2, NM_001413124.1); c.2134A>G, p.Met712Val (NM_001413135.1, NM_001413136.1, NM_001413139.1 and 1 more transcripts); c.1885A>G, p.Met629Val (NM_001413137.1, NM_001413131.1); c.2269A>G, p.Met757Val (NM_001413140.1); c.2227A>G, p.Met743Val (NM_001413130.1); and 1 more; short protein forms M638V, M629V, M746V, M791V, M1149V, M712V, M743V, M757V.
Identifiers: ClinVar variation 1974204 (VCV001974204.6), dbSNP rs376835584, ClinGen allele CA4638318.

ClinVar aggregate classification (germline): Uncertain significance. Review status: criteria provided, multiple submitters, no conflicts (2 of 4 stars). 2 submissions from 2 submitters: Uncertain significance (2). Last evaluated 2026-02-01.

Allele frequency attached by ClinVar (database versions not stated): gnomAD exomes below 0.00001; gnomAD 0.00001; ExAC 0.00001.

Submissions (2):

Labcorp Genetics (formerly Invitae), Labcorp
Classification: Uncertain significance. Last evaluated: 2026-02-01. Review status: criteria provided, single submitter. Criteria: Invitae Variant Classification Sherloc (09022015). Collection method: clinical testing. Allele origin: germline.
Comment: This sequence change replaces methionine, which is neutral and non-polar, with valine, which is neutral and non-polar, at codon 1149 of the DLC1 protein (p.Met1149Val). This variant is present in population databases (rs376835584, gnomAD 0.006%). This variant has not been reported in the literature in individuals affected with DLC1-related conditions. ClinVar contains an entry for this variant (Variation ID: 1974204). An algorithm developed to predict the effect of missense changes on protein structure and function (PolyPhen-2) suggests that this variant is likely to be disruptive. In summary, the available evidence is currently insufficient to determine the role of this variant in disease. Therefore, it has been classified as a Variant of Uncertain Significance.

Ambry Genetics
Classification: Uncertain significance. Last evaluated: 2024-05-01. Review status: criteria provided, single submitter. Criteria: Ambry Variant Classification Scheme 2023. Collection method: clinical testing. Allele origin: germline.